The following is an entry in ClinVar:

NM_000512.5(GALNS):c.409_420del (p.Ile137_Lys140del)

Gene: GALNS (galactosamine (N-acetyl)-6-sulfatase; minus strand). Cytogenetic location: 16q24.3.
Variant type: Deletion.
Coding change: c.409_420del on transcript NM_000512.5 (MANE Select); coding-DNA positions 409 to 420, 12 bases deleted (ATTGTCGGCAAG).
Protein change: p.Ile137_Lys140del.
Molecular consequence: inframe deletion. On other transcripts: 5 prime UTR variant (1).
Genome position (GRCh38, 1-based): chr16:88,840,994-88,841,005, CTTGCCGACAAT deleted on the plus strand (ATTGTCGGCAAG on the coding strand, the reverse complement: GALNS is on the minus strand); deleting any 12 consecutive bases within chr16:88,840,994-88,841,010 gives the same sequence; the c. name uses the placement nearest the transcript's 3' end. VCF-style (leftmost placement, unchanged base first): chr16-88840993-ACTTGCCGACAAT-A. GRCh37 (hg19) VCF-style: chr16-88907401-ACTTGCCGACAAT-A.
Other names: c.-147_-136del (NM_001323543.2); c.427_438del, p.Ile143_Lys146del (NM_001323544.2).
Identifiers: ClinVar variation 1048395 (VCV001048395.3), dbSNP rs2143004592, ClinGen allele CA497077777.

ClinVar aggregate classification (germline): Likely pathogenic (1 of 4 stars; one submission).

Conditions:
Mucopolysaccharidosis, MPS-IV-A (MPS4A). Also called: Mucopolysaccharidosis type IV A; Mucopolysaccharidosis Type IVA; Morquio syndrome A, mild; MORQUIO SYNDROME A; MPS IVA; mucopolysaccharidosis type 4A. Identifiers: Orphanet 309297, Orphanet 582, MedGen C0086651, MONDO:0009659, OMIM 253000.

Submission:

Laboratory of Diagnosis and Therapy of Lysosomal Disorders, University of Padova
Classification: Likely pathogenic for Mucopolysaccharidosis, MPS-IV-A. Last evaluated: 2021-02-01. Review status: criteria provided, single submitter. Criteria: ACMG Guidelines, 2015. Collection method: curation. Allele origin: germline. Affected: yes.
Comment: Located in a mutational hot spot and/or critical and well-established functional domain without benign variation (PM1_moderate); absent from gnomAD v2.1.1 (PM2_moderate); protein length changes as a result of in-frame deletions in a nonrepeat region (PM4_moderate)

Literature cited by the submitters: PubMed 24120057; PubMed 34387910.